The following is an entry in ClinVar:

NM_001018115.3(FANCD2):c.139A>G (p.Ile47Val)

Genes: FANCD2 (FA complementation group D2; plus strand), LOC107303338 (3p25 FANCD2 Alu-mediated recombination region; plus strand). Cytogenetic location: 3p25.3.
Variant type: single nucleotide variant.
Coding change: c.139A>G on transcript NM_001018115.3 (MANE Select); coding-DNA position 139, A replaced by G.
Protein change: p.Ile47Val; replaces isoleucine 47 with valine.
Molecular consequence: missense variant.
Genome position (GRCh38, 1-based): chr3:10,032,906, A>G. VCF-style: chr3-10032906-A-G. GRCh37 (hg19) VCF-style: chr3-10074590-A-G.
Other names: c.139A>G, p.Ile47Val (NM_001319984.2, NM_001374253.1, NM_001374254.1 and 2 more transcripts); short protein forms I47V.
Identifiers: ClinVar variation 2161141 (VCV002161141.3), dbSNP rs760450030, ClinGen allele CA2249115.
Genomic context (GRCh38, chr3:10,032,906, plus strand): 5'-CCACTTTCCAAAAAGACAAAGAAATCTCATATTGCTAATGAAGTTGAAGAAAATGACAGC[A>G]TCTTTGTAAAGCTTCTTAAGATATCAGGAATTATTCTTAAAACGGGAGAGAGTCAGAATC-3'
Protein context (NP_001018125.1, residues 37-57): IANEVEENDS[Ile47Val]FVKLLKISGI

ClinVar aggregate classification (germline): Uncertain significance (1 of 4 stars; one submission).

Conditions:
Fanconi anemia (FA). Also called: Fanconi's anemia. Identifiers: Orphanet 84, MedGen C0015625, MeSH D005199, MONDO:0019391.

Allele frequency attached by ClinVar (database versions not stated): ExAC 0.00001; gnomAD exomes 0.00001; gnomAD 0.00002; TOPMed 0.00002.
gnomAD v4.1: 16 of 1,603,938 alleles (0.001%); highest among the groups gnomAD compares: African/African-American, 0.004%; no homozygotes.

Submission:

Labcorp Genetics (formerly Invitae), Labcorp
Classification: Uncertain significance for Fanconi anemia. Last evaluated: 2024-04-25. Review status: criteria provided, single submitter. Criteria: Invitae Variant Classification Sherloc (09022015). Collection method: clinical testing. Allele origin: germline.
Comment: This sequence change replaces isoleucine, which is neutral and non-polar, with valine, which is neutral and non-polar, at codon 47 of the FANCD2 protein (p.Ile47Val). This variant is present in population databases (rs760450030, gnomAD 0.004%). This variant has not been reported in the literature in individuals affected with FANCD2-related conditions. ClinVar contains an entry for this variant (Variation ID: 2161141). Advanced modeling of protein sequence and biophysical properties (such as structural, functional, and spatial information, amino acid conservation, physicochemical variation, residue mobility, and thermodynamic stability) performed at Invitae indicates that this missense variant is not expected to disrupt FANCD2 protein function with a negative predictive value of 80%. In summary, the available evidence is currently insufficient to determine the role of this variant in disease. Therefore, it has been classified as a Variant of Uncertain Significance.